The following is an entry in ClinVar:

NM_014762.4(DHCR24):c.*2200G>A

Gene: DHCR24 (24-dehydrocholesterol reductase; minus strand). Cytogenetic location: 1p32.3.
Variant type: single nucleotide variant.
Coding change: c.*2200G>A on transcript NM_014762.4 (MANE Select); 2200 bases downstream of the stop codon, G replaced by A.
Molecular consequence: 3 prime UTR variant.
Genome position (GRCh38, 1-based): chr1:54,850,033, C>T on the plus strand (G>A on the coding strand, the complement: DHCR24 is on the minus strand). VCF-style: chr1-54850033-C-T. GRCh37 (hg19) VCF-style: chr1-55315706-C-T.
Identifiers: ClinVar variation 876971 (VCV000876971.4), dbSNP rs558575804, ClinGen allele CA22779125.
Genomic context (GRCh38, chr1:54,850,033, plus strand): 5'-GGCATCAAGTTTAACTCCATCCAAAACCATCACATGGATGGCCAGGGACAGGACTGGCTA[C>T]AAAAAAAAGCCATGAACTCAGCTCACCATGCTAAGAAGACTGCCTCTTTCCAGGCAAGAT-3'

ClinVar aggregate classification (germline): Likely benign (1 of 4 stars; one submission).

Conditions:
Desmosterolosis. Identifiers: Orphanet 35107, MedGen C1865596, MONDO:0011217, OMIM 602398.

Allele frequency attached by ClinVar (database versions not stated): gnomAD 0.00154 and 0.00159; 1000 Genomes Project 0.00200; TOPMed 0.00216.

Submission:

Illumina Laboratory Services, Illumina
Classification: Likely benign for Desmosterolosis. Last evaluated: 2018-01-13. Review status: criteria provided, single submitter. Criteria: ICSL Variant Classification Criteria 13 December 2019. Collection method: clinical testing. Allele origin: germline.
Comment: This variant was observed in the ICSL laboratory as part of a predisposition screen in an ostensibly healthy population. It had not been previously curated by ICSL or reported in the Human Gene Mutation Database (HGMD: prior to June 1st, 2018), and was therefore a candidate for classification through an automated scoring system. Utilizing variant allele frequency, disease prevalence and penetrance estimates, and inheritance mode, an automated score was calculated to assess if this variant is too frequent to cause the disease. Based on the score and internal cut-off values, a variant classified as likely benign is not then subjected to further curation. The score for this variant resulted in a classification of likely benign for this disease.